The following is an entry in ClinVar:

NM_017570.5(OPLAH):c.2423G>A (p.Gly808Glu)

Gene: OPLAH (5-oxoprolinase, ATP-hydrolysing; minus strand). Cytogenetic location: 8q24.3.
Variant type: single nucleotide variant.
Coding change: c.2423G>A on transcript NM_017570.5 (MANE Select); coding-DNA position 2423, G replaced by A.
Protein change: p.Gly808Glu; replaces glycine 808 with glutamic acid.
Molecular consequence: missense variant.
Genome position (GRCh38, 1-based): chr8:144,054,900, C>T on the plus strand (G>A on the coding strand, the complement: OPLAH is on the minus strand). VCF-style: chr8-144054900-C-T. GRCh37 (hg19) VCF-style: chr8-145109803-C-T.
Other names: c.2423G>A (NM_017570.4); short protein forms G808E.
Identifiers: ClinVar variation 3302331 (VCV003302331.2).

ClinVar aggregate classification (germline): Uncertain significance. Review status: criteria provided, multiple submitters, no conflicts (2 of 4 stars). 2 submissions from 2 submitters: Uncertain significance (2). Last evaluated 2025-11-13.

Conditions:
OPLAH-related disorder. Also called: OPLAH-related condition.

Submissions (2):

PreventionGenetics, part of Exact Sciences
Classification: Uncertain significance for OPLAH-related condition. Last evaluated: 2025-11-13. Review status: criteria provided, single submitter. Criteria: ACMG Guidelines, 2015. Collection method: clinical testing. Allele origin: germline.
Comment: The OPLAH c.2423G>A variant is predicted to result in the amino acid substitution p.Gly808Glu. To our knowledge, this variant has not been reported in the literature. This variant is reported in 0.0019% of alleles in individuals of European (Non-Finnish) descent in gnomAD. At this time, the clinical significance of this variant is uncertain due to the absence of conclusive functional and genetic evidence.

Ambry Genetics
Classification: Uncertain significance. Last evaluated: 2024-04-23. Review status: criteria provided, single submitter. Criteria: Ambry Variant Classification Scheme 2023. Collection method: clinical testing. Allele origin: germline.